The following is an entry in ClinVar:

ClinVar aggregate classification (germline): Uncertain significance. Review status: criteria provided, multiple submitters, no conflicts (2 of 4 stars). 3 submissions from 3 submitters: Uncertain significance (2). 1 of the submissions does not count toward it. Last evaluated 2025-09-02.

Conditions:
Treacher Collins syndrome 1 (TCS1). Also called: TCOF1-Related Treacher Collins Syndrome. Identifiers: Orphanet 861, MedGen CN315775, MONDO:0007944, OMIM 154500.
Inborn genetic diseases. Identifiers: MedGen C0950123, MeSH D030342.
TCOF1-related disorder. Also called: TCOF1-related condition.

Allele frequency attached by ClinVar (database versions not stated): ExAC 0.00001; gnomAD exomes 0.00001; TOPMed 0.00005.
gnomAD v4.1: 8 of 1,614,064 alleles (0.0005%); highest among the groups gnomAD compares: Admixed American, 0.01%; no homozygotes.

Submissions (3):

Labcorp Genetics (formerly Invitae), Labcorp
Classification: Uncertain significance for Treacher Collins syndrome 1. Last evaluated: 2025-09-02. Review status: criteria provided, single submitter. Criteria: Invitae Variant Classification Sherloc (09022015). Collection method: clinical testing. Allele origin: germline.
Comment: This sequence change replaces valine, which is neutral and non-polar, with isoleucine, which is neutral and non-polar, at codon 785 of the TCOF1 protein (p.Val785Ile). This variant is present in population databases (rs761188475, gnomAD 0.02%). This variant has not been reported in the literature in individuals affected with TCOF1-related conditions. ClinVar contains an entry for this variant (Variation ID: 1956957). Invitae Evidence Modeling of protein sequence and biophysical properties (such as structural, functional, and spatial information, amino acid conservation, physicochemical variation, residue mobility, and thermodynamic stability) indicates that this missense variant is not expected to disrupt TCOF1 protein function with a negative predictive value of 80%. In summary, the available evidence is currently insufficient to determine the role of this variant in disease. Therefore, it has been classified as a Variant of Uncertain Significance.

Ambry Genetics
Classification: Uncertain significance for Inborn genetic diseases. Last evaluated: 2023-07-25. Review status: criteria provided, single submitter. Criteria: Ambry Variant Classification Scheme 2023. Collection method: clinical testing. Allele origin: germline.

PreventionGenetics, part of Exact Sciences
Classification: Uncertain significance for TCOF1-related condition. Last evaluated: 2024-04-02. Review status: no assertion criteria provided. Collection method: clinical testing. Allele origin: germline. Not counted in ClinVar's aggregate classification.
Comment: The TCOF1 c.2353G>A variant is predicted to result in the amino acid substitution p.Val785Ile. To our knowledge, this variant has not been reported in the literature. This variant is reported in 0.017% of alleles in individuals of Latino descent in gnomAD. At this time, the clinical significance of this variant is uncertain due to the absence of conclusive functional and genetic evidence.

NM_001371623.1(TCOF1):c.2353G>A (p.Val785Ile)

Gene: TCOF1 (treacle ribosome biogenesis factor 1; plus strand). Cytogenetic location: 5q32.
Variant type: single nucleotide variant.
Coding change: c.2353G>A on transcript NM_001371623.1 (MANE Select); coding-DNA position 2353, G replaced by A.
Protein change: p.Val785Ile; replaces valine 785 with isoleucine.
Molecular consequence: missense variant.
Genome position (GRCh38, 1-based): chr5:150,378,917, G>A. VCF-style: chr5-150378917-G-A. GRCh37 (hg19) VCF-style: chr5-149758480-G-A.
Other names: c.2353G>A (NM_001135243.1); c.2122G>A, p.Val708Ile (NM_000356.4, NM_001135245.2); c.2353G>A, p.Val785Ile (NM_001008657.3, NM_001135243.2, NM_001135244.2 and 1 more transcripts); short protein forms V708I, V785I.
Identifiers: ClinVar variation 1956957 (VCV001956957.7), dbSNP rs761188475, ClinGen allele CA3511154.